The following is an entry in ClinVar:

NM_000478.6(ALPL):c.406C>A (p.Arg136Ser)

Gene: ALPL (alkaline phosphatase, biomineralization associated; plus strand). Cytogenetic location: 1p36.12.
Variant type: single nucleotide variant.
Coding change: c.406C>A on transcript NM_000478.6 (MANE Select); coding-DNA position 406, C replaced by A.
Protein change: p.Arg136Ser; replaces arginine 136 with serine.
Molecular consequence: missense variant.
Genome position (GRCh38, 1-based): chr1:21,563,218, C>A. VCF-style: chr1-21563218-C-A. GRCh37 (hg19) VCF-style: chr1-21889711-C-A.
Other names: c.241C>A, p.Arg81Ser (NM_001127501.4); c.175C>A, p.Arg59Ser (NM_001177520.3); c.406C>A, p.Arg136Ser (NM_001369803.2, NM_001369804.2, NM_001369805.2); short protein forms R136S, R59S, R81S.
Identifiers: ClinVar variation 3366824 (VCV003366824.1).

ClinVar aggregate classification (germline): Uncertain significance (1 of 4 stars; one submission).

gnomAD v4.1: 1 of 1,613,930 alleles (0.000062%); highest among the groups gnomAD compares: South Asian, 0.0011%; no homozygotes.

Submission:

Women's Health and Genetics/Laboratory Corporation of America, LabCorp
Classification: Uncertain significance. Last evaluated: 2024-08-13. Review status: criteria provided, single submitter. Criteria: LabCorp Variant Classification Summary - May 2015. Collection method: clinical testing. Allele origin: germline.
Comment: Variant summary: ALPL c.406C>A (p.Arg136Ser) results in a non-conservative amino acid change in the encoded protein sequence. Four of five in-silico tools predict a damaging effect of the variant on protein function. The variant allele was found at a frequency of 4e-06 in 250900 control chromosomes (gnomAD). The available data on variant occurrences in the general population are insufficient to allow any conclusion about variant significance. To our knowledge, no occurrence of c.406C>A in individuals affected with Hypophosphatasia and no experimental evidence demonstrating its impact on protein function have been reported. A different variant affecting the same codon has been classified as pathogenic by our lab (c.406C>T, p.Arg136Ser), supporting the critical relevance of codon 136 to ALPL protein function. No submitters have cited clinical-significance assessments for this variant to ClinVar. Based on the evidence outlined above, the variant was classified as uncertain significance.